The following is an entry in ClinVar:

NM_000088.4(COL1A1):c.451_457dup (p.Pro153fs)

Gene: COL1A1 (collagen type I alpha 1 chain; minus strand). Cytogenetic location: 17q21.33.
Variant type: Duplication.
Coding change: c.451_457dup on transcript NM_000088.4 (MANE Select); coding-DNA positions 451 to 457, 7 bases duplicated (GGACCCC; older notation c.451_457dupGGACCCC).
Protein change: p.Pro153fs; shifts the reading frame from proline 153.
Molecular consequence: frameshift variant.
Genome position (GRCh38, 1-based): chr17:50,199,240-50,199,246, GGGGTCC duplicated on the plus strand (GGACCCC on the coding strand, the reverse complement: COL1A1 is on the minus strand); duplicating any 7 consecutive bases within chr17:50,199,240-50,199,249 gives the same sequence; the c. name uses the placement nearest the transcript's 3' end. VCF-style (leftmost placement, unchanged base first): chr17-50199239-G-GGGGGTCC. GRCh37 (hg19) VCF-style: chr17-48276600-G-GGGGGTCC.
Other names: short protein forms P153fs.
Identifiers: ClinVar variation 3713692 (VCV003713692.2).
Genomic context (GRCh38, chr17:50,199,239, plus strand): 5'-CAAAAACAAAACAGGGGAGAGTGGACACACAAGGCCTCTCCACTTACTCCTCCGAGGCCA[G>GGGGGTCC]GGGGTCCGGGAGGTCCGGGGGGTCCGGGGGGTCCGGGAAGTCCAGGCTGTCCAGGGATGC-3'

ClinVar aggregate classification (germline): Pathogenic (1 of 4 stars; one submission).

Conditions:
Osteogenesis imperfecta type I (OI1). Also called: OI, TYPE I; OSTEOGENESIS IMPERFECTA TARDA; OSTEOGENESIS IMPERFECTA WITH BLUE SCLERAE; Osteogenesis imperfecta type 1; Lobstein's Disease; Lobstein disease. Identifiers: Orphanet 216796, Orphanet 666, MedGen C0023931, MONDO:0008146, OMIM 166200. Disease mechanism: loss of function.

Submission:

Labcorp Genetics (formerly Invitae), Labcorp
Classification: Pathogenic for Osteogenesis imperfecta type I. Last evaluated: 2024-12-17. Review status: criteria provided, single submitter. Criteria: Invitae Variant Classification Sherloc (09022015). Collection method: clinical testing. Allele origin: germline.
Comment: This sequence change creates a premature translational stop signal (p.Pro153Argfs*18) in the COL1A1 gene. It is expected to result in an absent or disrupted protein product. Loss-of-function variants in COL1A1 are known to be pathogenic (PMID: 7942841, 9295084, 9443882). This variant is not present in population databases (gnomAD no frequency). This variant has not been reported in the literature in individuals affected with COL1A1-related conditions. For these reasons, this variant has been classified as Pathogenic.

Literature cited by the submitters: PubMed 7942841; PubMed 9295084; PubMed 9443882.